The following is an entry in ClinVar:

ClinVar aggregate classification (germline): Uncertain significance (1 of 4 stars; one submission).

Submission:

Labcorp Genetics (formerly Invitae), Labcorp
Classification: Uncertain significance. Last evaluated: 2020-03-14. Review status: criteria provided, single submitter. Criteria: Invitae Variant Classification Sherloc (09022015). Collection method: clinical testing. Allele origin: germline.
Comment: In summary, the available evidence is currently insufficient to determine the role of this variant in disease. Therefore, it has been classified as a Variant of Uncertain Significance. Algorithms developed to predict the effect of sequence changes on RNA splicing suggest that this variant may create or strengthen a splice site, but this prediction has not been confirmed by published transcriptional studies. Algorithms developed to predict the effect of missense changes on protein structure and function are either unavailable or do not agree on the potential impact of this missense change (SIFT: "Deleterious"; PolyPhen-2: "Probably Damaging"; Align-GVGD: "Class C0"). This variant has not been reported in the literature in individuals with PCDH15-related conditions. This variant is not present in population databases (ExAC no frequency). This sequence change replaces tyrosine with cysteine at codon 1040 of the PCDH15 protein (p.Tyr1040Cys). The tyrosine residue is highly conserved and there is a large physicochemical difference between tyrosine and cysteine.

NM_001384140.1(PCDH15):c.3119A>G (p.Tyr1040Cys)

Gene: PCDH15 (protocadherin related 15; minus strand). Cytogenetic location: 10q21.1.
Variant type: single nucleotide variant.
Coding change: c.3119A>G on transcript NM_001384140.1 (MANE Select); coding-DNA position 3119, A replaced by G.
Protein change: p.Tyr1040Cys; replaces tyrosine 1040 with cysteine.
Molecular consequence: missense variant.
Genome position (GRCh38, 1-based): chr10:53,959,735, T>C on the plus strand (A>G on the coding strand, the complement: PCDH15 is on the minus strand). VCF-style: chr10-53959735-T-C. GRCh37 (hg19) VCF-style: chr10-55719495-T-C.
Other names: c.3134A>G, p.Tyr1045Cys (NM_001142763.2, NM_001142771.2); c.3119A>G, p.Tyr1040Cys (NM_001142764.2, NM_001142766.2, NM_001142770.3 and 4 more transcripts); c.2906A>G, p.Tyr969Cys (NM_001142765.2); c.3008A>G, p.Tyr1003Cys (NM_001142767.2); c.3053A>G, p.Tyr1018Cys (NM_001142768.2, NM_001142773.2, NM_001354404.2); c.3155A>G, p.Tyr1052Cys (NM_001142769.4); c.3140A>G, p.Tyr1047Cys (NM_001354411.2); short protein forms Y1003C, Y1018C, Y1040C, Y1045C, Y1047C, Y1052C, Y969C.
Identifiers: ClinVar variation 1017020 (VCV001017020.8), dbSNP rs2088073753, ClinGen allele CA376520702.